The following is an entry in ClinVar:

ClinVar aggregate classification (germline): Pathogenic (1 of 4 stars; one submission).

Conditions:
VPS13A-related neurodegenerative disease. Also called: ACANTHOCYTOSIS WITH NEUROLOGIC DISORDER; LEVINE-CRITCHLEY SYNDROME; Choreoacanthocytosis; Chorea-acanthocytosis; Choreaacanthocytosis; VPS13A Disease. Identifiers: Orphanet 2388, MedGen C0393576, MONDO:0008695, OMIM 200150.

Submission:

Myriad Genetics, Inc.
Classification: Pathogenic for VPS13A-related neurodegenerative disease. Last evaluated: 2024-05-14. Review status: criteria provided, single submitter. Criteria: Myriad Autosomal Dominant, Autosomal Recessive and X-Linked Classification Criteria (2023). Collection method: clinical testing. Allele origin: unknown.
Comment: NM_033305.2(VPS13A):c.8533_8534ins11(I2845Rfs*5) is expected to be pathogenic in the context of VPS13A disease. This variant is predicted to lead to an abnormal or absent protein product due to the creation of a premature termination codon in VPS13A, a gene where loss-of-function variants are known to be pathogenic. Please note: this variant was assessed in the context of healthy population screening.

NM_033305.3(VPS13A):c.8533_8534insGAAAGATCTTT (p.Ile2845fs)

Gene: VPS13A (vacuolar protein sorting 13 homolog A; plus strand). Cytogenetic location: 9q21.2.
Variant type: Insertion.
Coding change: c.8533_8534insGAAAGATCTTT on transcript NM_033305.3 (MANE Select); coding-DNA positions 8533 to 8534, GAAAGATCTTT inserted.
Protein change: p.Ile2845fs; shifts the reading frame from isoleucine 2845.
Molecular consequence: frameshift variant.
Genome position: GRCh38 VCF-style: chr9-77368116-A-AGAAAGATCTTT. GRCh37 (hg19) VCF-style: chr9-79983032-A-AGAAAGATCTTT.
Other names: c.8416_8417insGAAAGATCTTT, p.Ile2806fs (NM_001018037.2); c.8533_8534insGAAAGATCTTT, p.Ile2845fs (NM_001018038.3, NM_015186.4); short protein forms I2806fs, I2845fs.
Identifiers: ClinVar variation 5011217 (VCV005011217.1).